The following is an entry in ClinVar:

ClinVar aggregate classification (germline): Likely benign (0 of 4 stars; one submission).

Conditions:
TRPM6-related disorder. Also called: TRPM6-related condition.

Allele frequency attached by ClinVar (database versions not stated): gnomAD exomes below 0.00001; TOPMed below 0.00001; ExAC 0.00001; gnomAD 0.00001.
gnomAD v4.1: 3 of 1,614,124 alleles (0.00019%); highest among the groups gnomAD compares: Non-Finnish European, 0.00025%; no homozygotes.

Submission:

PreventionGenetics, part of Exact Sciences
Classification: Likely benign for TRPM6-related condition. Last evaluated: 2019-06-14. Review status: no assertion criteria provided. Collection method: clinical testing. Allele origin: germline.
Comment: This variant is classified as likely benign based on ACMG/AMP sequence variant interpretation guidelines (Richards et al. 2015 PMID: 25741868, with internal and published modifications).

NM_017662.5(TRPM6):c.2835C>T (p.Asp945=)

Gene: TRPM6 (transient receptor potential cation channel subfamily M member 6; minus strand). Cytogenetic location: 9q21.13.
Variant type: single nucleotide variant.
Coding change: c.2835C>T on transcript NM_017662.5 (MANE Select); coding-DNA position 2835, C replaced by T.
Protein change: p.Asp945=; no amino-acid change (aspartic acid 945 retained).
Molecular consequence: synonymous variant.
Genome position (GRCh38, 1-based): chr9:74,785,958, G>A on the plus strand (C>T on the coding strand, the complement: TRPM6 is on the minus strand). VCF-style: chr9-74785958-G-A. GRCh37 (hg19) VCF-style: chr9-77400874-G-A.
Other names: c.2820C>T, p.Asp940= (NM_001177310.2, NM_001177311.2).
Identifiers: ClinVar variation 3033639 (VCV003033639.2), dbSNP rs763383671, ClinGen allele CA5084440.